The following is an entry in ClinVar:

NM_001122630.2(CDKN1C):c.165G>T (p.Gln55His)

Gene: CDKN1C (cyclin dependent kinase inhibitor 1C; minus strand). Cytogenetic location: 11p15.4.
Variant type: single nucleotide variant.
Coding change: c.165G>T on transcript NM_001122630.2 (MANE Select); coding-DNA position 165, G replaced by T.
Protein change: p.Gln55His; replaces glutamine 55 with histidine.
Molecular consequence: missense variant.
Genome position (GRCh38, 1-based): chr11:2,885,292, C>A on the plus strand (G>T on the coding strand, the complement: CDKN1C is on the minus strand). VCF-style: chr11-2885292-C-A. GRCh37 (hg19) VCF-style: chr11-2906522-C-A.
Other names: c.198G>T, p.Gln66His (NM_000076.2, NM_001362474.2); c.165G>T, p.Gln55His (NM_001122631.2, NM_001362475.2); short protein forms Q66H, Q55H.
Identifiers: ClinVar variation 1477920 (VCV001477920.8), dbSNP rs1424141761, ClinGen allele CA379147428.

ClinVar aggregate classification (germline): Uncertain significance. Review status: criteria provided, multiple submitters, no conflicts (2 of 4 stars). 2 submissions from 2 submitters: Uncertain significance (2). Last evaluated 2022-07-06.

Conditions:
Beckwith-Wiedemann syndrome (BWS). Also called: Exomphalos macroglossia gigantism syndrome; EMG SYNDROME. Identifiers: Orphanet 116, MedGen C0004903, MONDO:0007534, OMIM 130650.

Allele frequency attached by ClinVar (database versions not stated): gnomAD exomes below 0.00001 and 0.00001.
gnomAD v4.1: 5 of 1,594,260 alleles (0.00031%); highest among the groups gnomAD compares: Non-Finnish European, 0.00043%; no homozygotes.

Submissions (2):

Labcorp Genetics (formerly Invitae), Labcorp
Classification: Uncertain significance for Beckwith-Wiedemann syndrome. Last evaluated: 2022-07-06. Review status: criteria provided, single submitter. Criteria: Invitae Variant Classification Sherloc (09022015). Collection method: clinical testing. Allele origin: germline.
Comment: In summary, the available evidence is currently insufficient to determine the role of this variant in disease. Therefore, it has been classified as a Variant of Uncertain Significance. This sequence change replaces glutamine, which is neutral and polar, with histidine, which is basic and polar, at codon 66 of the CDKN1C protein (p.Gln66His). The frequency data for this variant in the population databases is considered unreliable, as metrics indicate poor data quality at this position in the gnomAD database. This variant has not been reported in the literature in individuals affected with CDKN1C-related conditions. ClinVar contains an entry for this variant (Variation ID: 1477920). Algorithms developed to predict the effect of missense changes on protein structure and function are either unavailable or do not agree on the potential impact of this missense change (SIFT: "Deleterious"; PolyPhen-2: "Probably Damaging"; Align-GVGD: "Class C0").

GeneDx
Classification: Uncertain significance. Last evaluated: 2022-01-28. Review status: criteria provided, single submitter. Criteria: GeneDx Variant Classification Process June 2021. Collection method: clinical testing. Allele origin: germline. Affected: yes.
Comment: Not observed at significant frequency in large population cohorts (gnomAD); In silico analysis supports that this missense variant has a deleterious effect on protein structure/function; Has not been previously published as pathogenic or benign to our knowledge